The following is an entry in ClinVar:

NM_004380.3(CREBBP):c.2678C>G (p.Ser893Trp)

Gene: CREBBP (CREB binding lysine acetyltransferase; minus strand). Cytogenetic location: 16p13.3.
Variant type: single nucleotide variant.
Coding change: c.2678C>G on transcript NM_004380.3 (MANE Select); coding-DNA position 2678, C replaced by G.
Protein change: p.Ser893Trp; replaces serine 893 with tryptophan.
Molecular consequence: missense variant.
Genome position (GRCh38, 1-based): chr16:3,770,772, G>C on the plus strand (C>G on the coding strand, the complement: CREBBP is on the minus strand). VCF-style: chr16-3770772-G-C. GRCh37 (hg19) VCF-style: chr16-3820773-G-C.
Other names: c.2564C>G, p.Ser855Trp (NM_001079846.1); short protein forms S855W, S893W.
Identifiers: ClinVar variation 2506841 (VCV002506841.2), dbSNP rs142047649, ClinGen allele CA276969058.
Genomic context (GRCh38, chr16:3,770,772, plus strand): 5'-TGGGTTTGGGTAGCACTGGGCACTGAGCCAGGAGTCGGGGTGGGAGTCTGCCCGGAAGAC[G>C]ACACAGGAGTTGATGGCTGAGTGGGAGCTGCTGGCTGGGGAGGAGTCATCCCAGGTGGTG-3'
Protein context (NP_004371.2, residues 883-903): AAPTQPSTPV[Ser893Trp]SSGQTPTPTP

ClinVar aggregate classification (germline): Uncertain significance (1 of 4 stars; one submission).

gnomAD v4.1: 1 of 1,613,960 alleles (0.000062%); highest among the groups gnomAD compares: African/African-American, 0.0013%; no homozygotes.

Submission:

GeneDx
Classification: Uncertain significance. Last evaluated: 2025-07-21. Review status: criteria provided, single submitter. Criteria: GeneDx Variant Classification Process June 2021. Collection method: clinical testing. Allele origin: germline. Affected: yes.
Comment: Not observed at significant frequency in large population cohorts (gnomAD); In silico analysis supports that this missense variant has a deleterious effect on protein structure/function; Has not been previously published as pathogenic or benign to our knowledge